The following is an entry in ClinVar:

ClinVar aggregate classification (germline): Uncertain significance. Review status: criteria provided, multiple submitters, no conflicts (2 of 4 stars). 5 submissions from 5 submitters: Uncertain significance (3). 2 of the submissions do not count toward it. Last evaluated 2025-02-13.

Conditions:
Inborn genetic diseases. Identifiers: MedGen C0950123, MeSH D030342.
Autosomal recessive Alport syndrome (ATS2). Also called: COL4A4 Alport Syndrome and Thin Basement Membrane Nephropathy; COL4A3-Related Nephropathy; ALPORT SYNDROME 2, AUTOSOMAL RECESSIVE; Alport syndrome type 2. Identifiers: Orphanet 63, Orphanet 88919, MedGen C4746745, MONDO:0008762, OMIM 203780.

Allele frequency attached by ClinVar (database versions not stated): gnomAD 0.00001; TOPMed 0.00001.
gnomAD v4.1: 24 of 1,613,792 alleles (0.0015%); highest among the groups gnomAD compares: Non-Finnish European, 0.002%; no homozygotes.

Submissions (5):

Ambry Genetics
Classification: Uncertain significance for Inborn genetic diseases. Last evaluated: 2025-02-13. Review status: criteria provided, single submitter. Criteria: Ambry Variant Classification Scheme 2023. Collection method: clinical testing. Allele origin: germline.

Labcorp Genetics (formerly Invitae), Labcorp
Classification: Uncertain significance. Last evaluated: 2022-03-29. Review status: criteria provided, single submitter. Criteria: Invitae Variant Classification Sherloc (09022015). Collection method: clinical testing. Allele origin: germline.
Comment: This sequence change replaces glycine, which is neutral and non-polar, with arginine, which is basic and polar, at codon 118 of the COL4A3 protein (p.Gly118Arg). This variant is not present in population databases (gnomAD no frequency). This missense change has been observed in individual(s) with clinical features of COL4A3-related conditions (PMID: 25596306). ClinVar contains an entry for this variant (Variation ID: 552802). Advanced modeling of protein sequence and biophysical properties (such as structural, functional, and spatial information, amino acid conservation, physicochemical variation, residue mobility, and thermodynamic stability) performed at Invitae indicates that this missense variant is expected to disrupt COL4A3 protein function. Algorithms developed to predict the effect of sequence changes on RNA splicing suggest that this variant may create or strengthen a splice site. In summary, the available evidence is currently insufficient to determine the role of this variant in disease. Therefore, it has been classified as a Variant of Uncertain Significance.

Women's Health and Genetics/Laboratory Corporation of America, LabCorp
Classification: Uncertain significance. Last evaluated: 2022-02-18. Review status: criteria provided, single submitter. Criteria: LabCorp Variant Classification Summary - May 2015. Collection method: clinical testing. Allele origin: germline.
Comment: Variant summary: COL4A3 c.352G>A (p.Gly118Arg) results in a non-conservative amino acid change located in the Collagen triple helix repeat (IPR008160) of the encoded protein sequence. Five of five in-silico tools predict a damaging effect of the variant on protein function. The variant was absent in 249428 control chromosomes (gnomAD). c.352G>A has been reported in the literature in individuals affected with focal segmental glomerulosclerosis and hematuria (Xie_2014, Gibson_2021). These reports do not provide unequivocal conclusions about association of the variant with Alport Syndrome, Autosomal Recessive. To our knowledge, no experimental evidence demonstrating an impact on protein function has been reported. Three ClinVar submitters have assessed the variant since 2014: one classified the variant as uncertain significance and two as likely pathogenic. Based on the evidence outlined above, the variant was classified as uncertain significance.

Gharavi Laboratory, Columbia University
Classification: Likely pathogenic. Last evaluated: 2018-09-16. Review status: no assertion criteria provided. Criteria: ACMG Guidelines, 2015. Collection method: research. Allele origin: germline. Affected: yes. Not counted in ClinVar's aggregate classification.

Counsyl
Classification: Uncertain significance for Autosomal recessive Alport syndrome. Last evaluated: 2017-07-07. Review status: no assertion criteria provided. Collection method: clinical testing. Allele origin: unknown. Not counted in ClinVar's aggregate classification.

Literature cited by the submitters: PubMed 25596306 (cited by 4 submitters); PubMed 30586318 (cited by Ambry Genetics); PubMed 34993602 (cited by Ambry Genetics); PubMed 34400539 (cited by Women's Health and Genetics/Laboratory Corporation of America, LabCorp).

NM_000091.5(COL4A3):c.352G>A (p.Gly118Arg)

Genes: COL4A3 (collagen type IV alpha 3 chain; plus strand), MFF-DT (MFF divergent transcript; minus strand). Cytogenetic location: 2q36.3.
Variant type: single nucleotide variant.
Coding change: c.352G>A on transcript NM_000091.5 (MANE Select); coding-DNA position 352, G replaced by A.
Protein change: p.Gly118Arg; replaces glycine 118 with arginine.
Molecular consequence: missense variant.
Genome position (GRCh38, 1-based): chr2:227,245,981, G>A. VCF-style: chr2-227245981-G-A. GRCh37 (hg19) VCF-style: chr2-228110697-G-A.
Other names: short protein forms G118R.
Identifiers: ClinVar variation 552802 (VCV000552802.7), dbSNP rs1293137291, ClinGen allele CA350861666.
Genomic context (GRCh38, chr2:227,245,981, plus strand): 5'-GACCCTCCTCATTGAGACTTGTTCTTCTTCCAGGGCACCCCAGGCAATACCGGGCCTTAC[G>A]GACTTGTCGGTGTACCAGGATGCAGTGGTTCTAAGGTAAGTACTTTTCACACAGAAGATG-3'
Protein context (NP_000082.2, residues 108-128): PGTPGNTGPY[Gly118Arg]LVGVPGCSGS